The following is an entry in ClinVar:

NM_006231.4(POLE):c.6683A>G (p.Lys2228Arg)

Gene: POLE (DNA polymerase epsilon, catalytic subunit; minus strand). Cytogenetic location: 12q24.33.
Variant type: single nucleotide variant.
Coding change: c.6683A>G on transcript NM_006231.4 (MANE Select); coding-DNA position 6683, A replaced by G.
Protein change: p.Lys2228Arg; replaces lysine 2228 with arginine.
Molecular consequence: missense variant.
Genome position (GRCh38, 1-based): chr12:132,624,969, T>C on the plus strand (A>G on the coding strand, the complement: POLE is on the minus strand). VCF-style: chr12-132624969-T-C. GRCh37 (hg19) VCF-style: chr12-133201555-T-C.
Other names: short protein forms K2228R.
Identifiers: ClinVar variation 2830328 (VCV002830328.3), dbSNP rs2041801650, ClinGen allele CA387366206.

ClinVar aggregate classification (germline): Uncertain significance (1 of 4 stars; one submission).

Submission:

Labcorp Genetics (formerly Invitae), Labcorp
Classification: Uncertain significance. Last evaluated: 2023-01-20. Review status: criteria provided, single submitter. Criteria: Invitae Variant Classification Sherloc (09022015). Collection method: clinical testing. Allele origin: germline.
Comment: This sequence change replaces lysine, which is basic and polar, with arginine, which is basic and polar, at codon 2228 of the POLE protein (p.Lys2228Arg). In summary, the available evidence is currently insufficient to determine the role of this variant in disease. Therefore, it has been classified as a Variant of Uncertain Significance. Advanced modeling of protein sequence and biophysical properties (such as structural, functional, and spatial information, amino acid conservation, physicochemical variation, residue mobility, and thermodynamic stability) performed at Invitae indicates that this missense variant is not expected to disrupt POLE protein function. This variant has not been reported in the literature in individuals affected with POLE-related conditions. This variant is not present in population databases (gnomAD no frequency).